The following is an entry in ClinVar:

ClinVar aggregate classification (germline): Uncertain significance (1 of 4 stars; one submission).

Conditions:
Cardiovascular phenotype. Identifiers: MedGen CN230736.

gnomAD v4.1: 1 of 1,613,866 alleles (0.000062%); highest among the groups gnomAD compares: African/African-American, 0.0013%; no homozygotes.

Submission:

Ambry Genetics
Classification: Uncertain significance for Cardiovascular phenotype. Last evaluated: 2026-08-08. Review status: criteria provided, single submitter. Criteria: Ambry Variant Classification Scheme 2023. Collection method: clinical testing. Allele origin: germline.
Comment: The p.I443T variant (also known as c.1328T>C), located in coding exon 10 of the NEXN gene, results from a T to C substitution at nucleotide position 1328. The isoleucine at codon 443 is replaced by threonine, an amino acid with similar properties. This amino acid position is conserved. In addition, this alteration is predicted to be deleterious by in silico analysis. Based on the available evidence, the clinical significance of this variant remains unclear.

NM_144573.4(NEXN):c.1328T>C (p.Ile443Thr)

Gene: NEXN (nexilin F-actin binding protein; plus strand). Cytogenetic location: 1p31.1.
Variant type: single nucleotide variant.
Coding change: c.1328T>C on transcript NM_144573.4 (MANE Select); coding-DNA position 1328, T replaced by C.
Protein change: p.Ile443Thr; replaces isoleucine 443 with threonine.
Molecular consequence: missense variant.
Genome position (GRCh38, 1-based): chr1:77,935,899, T>C. VCF-style: chr1-77935899-T-C. GRCh37 (hg19) VCF-style: chr1-78401584-T-C.
Other names: c.1136T>C, p.Ile379Thr (NM_001172309.2); short protein forms I379T, I443T.
Identifiers: ClinVar variation 5025495 (VCV005025495.1).